The following is an entry in ClinVar:

NM_000038.6(APC):c.1793A>G (p.His598Arg)

Gene: APC (APC regulator of Wnt signaling pathway; plus strand). Cytogenetic location: 5q22.2.
Variant type: single nucleotide variant.
Coding change: c.1793A>G on transcript NM_000038.6 (MANE Select); coding-DNA position 1793, A replaced by G.
Protein change: p.His598Arg; replaces histidine 598 with arginine.
Molecular consequence: missense variant. On other transcripts: non-coding transcript variant (2).
Genome position (GRCh38, 1-based): chr5:112,835,000, A>G. VCF-style: chr5-112835000-A-G. GRCh37 (hg19) VCF-style: chr5-112170697-A-G.
Other names: c.1793A>G, p.His598Arg (NM_001127510.3, NM_001354895.2, NM_001407450.1); c.1739A>G, p.His580Arg (NM_001127511.3); c.1847A>G, p.His616Arg (NM_001354896.2, NM_001407447.1, NM_001407448.1 and 1 more transcripts); c.1823A>G, p.His608Arg (NM_001354897.2); c.1718A>G, p.His573Arg (NM_001354898.2); c.1709A>G, p.His570Arg (NM_001354899.2); c.1670A>G, p.His557Arg (NM_001354900.2); c.1616A>G, p.His539Arg (NM_001354901.2, NM_001407453.1); and 11 more; short protein forms H570R, H573R, H591R, H598R, H438R, H469R, H539R, H557R.
Identifiers: ClinVar variation 3690063 (VCV003690063.2).

ClinVar aggregate classification (germline): Uncertain significance (1 of 4 stars; one submission).

Conditions:
Familial adenomatous polyposis 1 (FAP1). Also called: POLYPOSIS, ADENOMATOUS INTESTINAL; FAMILIAL ADENOMATOUS POLYPOSIS 1, ATTENUATED. Identifiers: MedGen C2713442, MONDO:0021056, OMIM 175100. Disease mechanism: loss of function.

Submission:

Labcorp Genetics (formerly Invitae), Labcorp
Classification: Uncertain significance for Familial adenomatous polyposis 1. Last evaluated: 2024-08-28. Review status: criteria provided, single submitter. Criteria: Invitae Variant Classification Sherloc (09022015). Collection method: clinical testing. Allele origin: germline.
Comment: This sequence change replaces histidine, which is basic and polar, with arginine, which is basic and polar, at codon 598 of the APC protein (p.His598Arg). This variant is not present in population databases (gnomAD no frequency). This variant has not been reported in the literature in individuals affected with APC-related conditions. Invitae Evidence Modeling of protein sequence and biophysical properties (such as structural, functional, and spatial information, amino acid conservation, physicochemical variation, residue mobility, and thermodynamic stability) indicates that this missense variant is not expected to disrupt APC protein function with a negative predictive value of 95%. In summary, the available evidence is currently insufficient to determine the role of this variant in disease. Therefore, it has been classified as a Variant of Uncertain Significance.